The following is an entry in ClinVar:

NM_001386298.1(CIC):c.3818A>G (p.Asp1273Gly)

Gene: CIC (capicua transcriptional repressor; plus strand). Cytogenetic location: 19q13.2.
Variant type: single nucleotide variant.
Coding change: c.3818A>G on transcript NM_001386298.1 (MANE Select); coding-DNA position 3818, A replaced by G.
Protein change: p.Asp1273Gly; replaces aspartic acid 1273 with glycine.
Molecular consequence: missense variant.
Genome position (GRCh38, 1-based): chr19:42,289,047, A>G. VCF-style: chr19-42289047-A-G. GRCh37 (hg19) VCF-style: chr19-42793199-A-G.
Other names: c.3818A>G, p.Asp1273Gly (NM_001304815.2, NM_001379480.1, NM_001379482.1); c.1091A>G, p.Asp364Gly (NM_001379484.1, NM_001379485.1, NM_015125.5); short protein forms D1273G, D364G.
Identifiers: ClinVar variation 3363939 (VCV003363939.1).

ClinVar aggregate classification (germline): Uncertain significance (1 of 4 stars; one submission).

Submission:

GeneDx
Classification: Uncertain significance. Last evaluated: 2023-11-06. Review status: criteria provided, single submitter. Criteria: GeneDx Variant Classification Process June 2021. Collection method: clinical testing. Allele origin: germline. Affected: yes.
Comment: Not observed at significant frequency in large population cohorts (gnomAD); In silico analysis supports that this missense variant has a deleterious effect on protein structure/function; Has not been previously published as pathogenic or benign to our knowledge